The following is an entry in ClinVar:

NM_001374828.1(ARID1B):c.2026T>C (p.Cys676Arg)

Gene: ARID1B (AT-rich interaction domain 1B; plus strand). Cytogenetic location: 6q25.3.
Variant type: single nucleotide variant.
Coding change: c.2026T>C on transcript NM_001374828.1 (MANE Select); coding-DNA position 2026, T replaced by C.
Protein change: p.Cys676Arg; replaces cysteine 676 with arginine.
Molecular consequence: missense variant.
Genome position (GRCh38, 1-based): chr6:156,901,415, T>C. VCF-style: chr6-156901415-T-C. GRCh37 (hg19) VCF-style: chr6-157222549-T-C.
Other names: c.1777T>C, p.Cys593Arg (NM_001346813.1); c.2065T>C, p.Cys689Arg (NM_001371656.1, NM_001374820.1); c.2026T>C, p.Cys676Arg (NM_017519.3); c.1816T>C, p.Cys606Arg (NM_020732.3); c.1603T>C, p.Cys535Arg (NM_175863.2); short protein forms C535R, C593R, C676R, C606R, C689R.
Identifiers: ClinVar variation 3006304 (VCV003006304.3), dbSNP rs1488838128, ClinGen allele CA366380684.

ClinVar aggregate classification (germline): Uncertain significance (1 of 4 stars; one submission).

Allele frequency attached by ClinVar (database versions not stated): gnomAD exomes below 0.00001.
gnomAD v4.1: 7 of 1,614,182 alleles (0.00043%); highest among the groups gnomAD compares: Admixed American, 0.0017%; no homozygotes.

Submission:

Labcorp Genetics (formerly Invitae), Labcorp
Classification: Uncertain significance. Last evaluated: 2022-12-31. Review status: criteria provided, single submitter. Criteria: Invitae Variant Classification Sherloc (09022015). Collection method: clinical testing. Allele origin: germline.
Comment: This variant is present in population databases (no rsID available, gnomAD 0.003%). In summary, the available evidence is currently insufficient to determine the role of this variant in disease. Therefore, it has been classified as a Variant of Uncertain Significance. Advanced modeling of protein sequence and biophysical properties (such as structural, functional, and spatial information, amino acid conservation, physicochemical variation, residue mobility, and thermodynamic stability) has been performed at Invitae for this missense variant, however the output from this modeling did not meet the statistical confidence thresholds required to predict the impact of this variant on ARID1B protein function. This variant has not been reported in the literature in individuals affected with ARID1B-related conditions. This sequence change replaces cysteine, which is neutral and slightly polar, with arginine, which is basic and polar, at codon 606 of the ARID1B protein (p.Cys606Arg).